The following is an entry in ClinVar:

NM_015213.4(DENND5A):c.1940A>G (p.Asp647Gly)

Gene: DENND5A (DENN domain containing 5A; minus strand). Cytogenetic location: 11p15.4.
Variant type: single nucleotide variant.
Coding change: c.1940A>G on transcript NM_015213.4 (MANE Select); coding-DNA position 1940, A replaced by G.
Protein change: p.Asp647Gly; replaces aspartic acid 647 with glycine.
Molecular consequence: missense variant. On other transcripts: non-coding transcript variant (1).
Genome position (GRCh38, 1-based): chr11:9,170,744, T>C on the plus strand (A>G on the coding strand, the complement: DENND5A is on the minus strand). VCF-style: chr11-9170744-T-C. GRCh37 (hg19) VCF-style: chr11-9192291-T-C.
Other names: c.1940A>G, p.Asp647Gly (NM_001243254.2); c.1868A>G, p.Asp623Gly (NM_001348749.2); c.1652A>G, p.Asp551Gly (NM_001348750.2); short protein forms D623G, D551G, D647G.
Identifiers: ClinVar variation 1031882 (VCV001031882.3), dbSNP rs1392402979, ClinGen allele CA379612173.

ClinVar aggregate classification (germline): Uncertain significance. Review status: criteria provided, multiple submitters, no conflicts (2 of 4 stars). 2 submissions from 2 submitters: Uncertain significance (2). Last evaluated 2022-04-26.

Conditions:
Developmental and epileptic encephalopathy, 49 (DEE49). Also called: Epileptic encephalopathy, early infantile, 49. Identifiers: MedGen C4310635, MONDO:0015002, OMIM 617281.

Allele frequency attached by ClinVar (database versions not stated): gnomAD 0.00001; gnomAD exomes 0.00001; TOPMed 0.00001.
gnomAD v4.1: 15 of 1,613,666 alleles (0.00093%); highest among the groups gnomAD compares: Non-Finnish European, 0.0013%; no homozygotes.

Submissions (2):

Labcorp Genetics (formerly Invitae), Labcorp
Classification: Uncertain significance. Last evaluated: 2022-04-26. Review status: criteria provided, single submitter. Criteria: Invitae Variant Classification Sherloc (09022015). Collection method: clinical testing. Allele origin: germline.
Comment: This sequence change replaces aspartic acid, which is acidic and polar, with glycine, which is neutral and non-polar, at codon 647 of the DENND5A protein (p.Asp647Gly). This variant is present in population databases (no rsID available, gnomAD 0.002%). This variant has not been reported in the literature in individuals affected with DENND5A-related conditions. ClinVar contains an entry for this variant (Variation ID: 1031882). Algorithms developed to predict the effect of missense changes on protein structure and function are either unavailable or do not agree on the potential impact of this missense change (SIFT: "Deleterious"; PolyPhen-2: "Probably Damaging"; Align-GVGD: "Class C0"). In summary, the available evidence is currently insufficient to determine the role of this variant in disease. Therefore, it has been classified as a Variant of Uncertain Significance.

Baylor Genetics
Classification: Uncertain significance for Developmental and epileptic encephalopathy, 49. Last evaluated: 2018-01-16. Review status: criteria provided, single submitter. Criteria: ACMG Guidelines, 2015. Collection method: clinical testing. Allele origin: paternal. Affected: yes.
Comment: This variant was determined to be of uncertain significance according to ACMG Guidelines, 2015 [PMID:25741868].